The following is an entry in ClinVar:

NM_000642.3(AGL):c.1424-7T>A

Gene: AGL (amylo-alpha-1,6-glucosidase and 4-alpha-glucanotransferase; plus strand). Cytogenetic location: 1p21.2.
Variant type: single nucleotide variant.
Coding change: c.1424-7T>A on transcript NM_000642.3 (MANE Select); 7 bases into the intron before coding-DNA position 1424, T replaced by A.
Molecular consequence: intron variant.
Genome position (GRCh38, 1-based): chr1:99,877,634, T>A. VCF-style: chr1-99877634-T-A. GRCh37 (hg19) VCF-style: chr1-100343190-T-A.
Other names: c.1424-7T>A (NM_000643.3, NM_000644.3, NM_001425326.1 and 2 more transcripts); c.1376-7T>A (NM_000646.3); c.1223-7T>A (NM_001425327.1); c.1220-7T>A (NM_001425328.1, NM_001425329.1); c.1046-7T>A (NM_001425332.1).
Identifiers: ClinVar variation 947026 (VCV000947026.9), dbSNP rs570061109, ClinGen allele CA966498.

ClinVar aggregate classification (germline): Uncertain significance. Review status: criteria provided, single submitter (1 of 4 stars). 2 submissions from 2 submitters: Uncertain significance (1). 1 of the submissions does not count toward it. Last evaluated 2022-07-06.

Conditions:
Glycogen storage disease type III (GSD3). Also called: Cori disease; FORBES DISEASE. Identifiers: Orphanet 366, MedGen C0017922, MONDO:0009291, OMIM 232400.

Allele frequency attached by ClinVar (database versions not stated): gnomAD exomes below 0.00001 and 0.00001; gnomAD 0.00001; TOPMed 0.00001; ExAC 0.00002; 1000 Genomes Project 0.00040; 1000 Genomes Project 30x 0.00062.
gnomAD v4.1: 5 of 1,613,820 alleles (0.00031%); highest among the groups gnomAD compares: Admixed American, 0.0083%; no homozygotes.

Submissions (2):

Labcorp Genetics (formerly Invitae), Labcorp
Classification: Uncertain significance for Glycogen storage disease type III. Last evaluated: 2022-07-06. Review status: criteria provided, single submitter. Criteria: Invitae Variant Classification Sherloc (09022015). Collection method: clinical testing. Allele origin: germline.
Comment: This sequence change falls in intron 11 of the AGL gene. It does not directly change the encoded amino acid sequence of the AGL protein. This variant is present in population databases (rs570061109, gnomAD 0.006%). This variant has not been reported in the literature in individuals affected with AGL-related conditions. ClinVar contains an entry for this variant (Variation ID: 947026). Algorithms developed to predict the effect of sequence changes on RNA splicing suggest that this variant may disrupt the consensus splice site. In summary, the available evidence is currently insufficient to determine the role of this variant in disease. Therefore, it has been classified as a Variant of Uncertain Significance.

Natera, Inc.
Classification: Uncertain significance for Glycogen storage disease type III. Last evaluated: 2021-02-22. Review status: no assertion criteria provided. Collection method: clinical testing. Allele origin: germline. Not counted in ClinVar's aggregate classification.